The following is an entry in ClinVar:

ClinVar aggregate classification (germline): Uncertain significance. Review status: criteria provided, multiple submitters, no conflicts (2 of 4 stars). 2 submissions from 2 submitters: Uncertain significance (2). Last evaluated 2025-08-14.

Conditions:
Inborn genetic diseases. Identifiers: MedGen C0950123, MeSH D030342.

Allele frequency attached by ClinVar (database versions not stated): gnomAD 0.00001 and 0.00003; gnomAD exomes 0.00001; TOPMed 0.00001; ExAC 0.00002.
gnomAD v4.1: 21 of 1,520,986 alleles (0.0014%); highest among the groups gnomAD compares: East Asian, 0.009%; no homozygotes.

Submissions (2):

Ambry Genetics
Classification: Uncertain significance for Inborn genetic diseases. Last evaluated: 2025-08-14. Review status: criteria provided, single submitter. Criteria: Ambry Variant Classification Scheme 2023. Collection method: clinical testing. Allele origin: germline.

Labcorp Genetics (formerly Invitae), Labcorp
Classification: Uncertain significance. Last evaluated: 2021-06-20. Review status: criteria provided, single submitter. Criteria: Invitae Variant Classification Sherloc (09022015). Collection method: clinical testing. Allele origin: germline.
Comment: In summary, the available evidence is currently insufficient to determine the role of this variant in disease. Therefore, it has been classified as a Variant of Uncertain Significance. Algorithms developed to predict the effect of missense changes on protein structure and function are either unavailable or do not agree on the potential impact of this missense change (SIFT: "Deleterious"; PolyPhen-2: "Probably Damaging"; Align-GVGD: "Class C0"). This variant has not been reported in the literature in individuals with PLOD2-related conditions. This variant is present in population databases (rs564416321, ExAC 0.01%). This sequence change replaces valine with methionine at codon 66 of the PLOD2 protein (p.Val66Met). The valine residue is highly conserved and there is a small physicochemical difference between valine and methionine.

NM_182943.3(PLOD2):c.196G>A (p.Val66Met)

Gene: PLOD2 (procollagen-lysine,2-oxoglutarate 5-dioxygenase 2; minus strand). Cytogenetic location: 3q24.
Variant type: single nucleotide variant.
Coding change: c.196G>A on transcript NM_182943.3 (MANE Select); coding-DNA position 196, G replaced by A.
Protein change: p.Val66Met; replaces valine 66 with methionine.
Molecular consequence: missense variant.
Genome position (GRCh38, 1-based): chr3:146,124,143, C>T on the plus strand (G>A on the coding strand, the complement: PLOD2 is on the minus strand). VCF-style: chr3-146124143-C-T. GRCh37 (hg19) VCF-style: chr3-145841930-C-T.
Other names: c.196G>A, p.Val66Met (NM_000935.3); c.196G>A (NM_000935.2); short protein forms V66M.
Identifiers: ClinVar variation 1427257 (VCV001427257.8), dbSNP rs564416321, ClinGen allele CA2655342.